The following is an entry in ClinVar:

NM_000152.5(GAA):c.2482-5T>C

Gene: GAA (alpha glucosidase; plus strand). Cytogenetic location: 17q25.3.
Variant type: single nucleotide variant.
Coding change: c.2482-5T>C on transcript NM_000152.5 (MANE Select); 5 bases into the intron before coding-DNA position 2482, T replaced by C.
Molecular consequence: intron variant.
Genome position (GRCh38, 1-based): chr17:80,118,188, T>C. VCF-style: chr17-80118188-T-C. GRCh37 (hg19) VCF-style: chr17-78091987-T-C.
Other names: c.2482-5T>C (LRG_673t1, NM_001079803.3, NM_001079804.3).
Identifiers: ClinVar variation 558320 (VCV000558320.6), dbSNP rs1290870969, ClinGen allele CA658824789.
Genomic context (GRCh38, chr17:80,118,188, plus strand): 5'-GGCCCTGGAGGCCTCCACCTCCACCAGGGTGGGGATGATGACATCACGTGTCCTTCCCTT[T>C]CCAGGGCCCTGGCCTCACAACCACAGAGTCCCGCCAGCAGCCCATGGCCCTGGCTGTGGC-3'

ClinVar aggregate classification (germline): Conflicting classifications of pathogenicity. Review status: criteria provided, conflicting classifications (1 of 4 stars). 3 submissions from 3 submitters: Uncertain significance (1); Likely benign (1). 1 of the submissions does not count toward it. Last evaluated 2026-07-01.

Conditions:
Glycogen storage disease, type II (IOPD). Also called: POMPE DISEASE, INFANTILE-ONSET; GLYCOGEN STORAGE DISEASE II, INFANTILE-ONSET; ACID ALPHA-GLUCOSIDASE DEFICIENCY, INFANTILE-ONSET; GAA DEFICIENCY, INFANTILE-ONSET; ACID MALTASE DEFICIENCY, INFANTILE-ONSET; CARDIOMEGALIA GLYCOGENICA DIFFUSA. Identifiers: Orphanet 365, MedGen C0017921, MONDO:0009290, OMIM 232300.

Allele frequency attached by ClinVar (database versions not stated): TOPMed 0.00001.

Submissions (3):

Genomenon, Inc
Classification: Uncertain significance for Glycogen storage disease, type II. Last evaluated: 2026-07-01. Review status: criteria provided, single submitter. Criteria: Genomenon Sequence Variant Interpretation Standards - Updated. Collection method: curation. Allele origin: germline. Affected: no.
Comment: GAA c.2482-5T>C is an intronic variant located in the acceptor splice region of intron 17. This variant has been reported in the published literature (PMID:24513544;33560568;33073027). It is absent or not present at a significant frequency in gnomAD. In silico models predict that this variant is not damaging. In conclusion, we classify GAA c.2482-5T>C as a variant of uncertain significance.

Labcorp Genetics (formerly Invitae), Labcorp
Classification: Likely benign for Glycogen storage disease, type II. Last evaluated: 2024-02-07. Review status: criteria provided, single submitter. Criteria: Invitae Variant Classification Sherloc (09022015). Collection method: clinical testing. Allele origin: germline.

Counsyl
Classification: Uncertain significance for Glycogen storage disease, type II. Last evaluated: 2018-05-14. Review status: no assertion criteria provided. Collection method: clinical testing. Allele origin: unknown. Not counted in ClinVar's aggregate classification.

Literature cited by the submitters: PubMed 24513544 (cited by Genomenon, Inc and Counsyl); PubMed 33560568 (cited by Genomenon, Inc); PubMed 33073027 (cited by Genomenon, Inc).